The following is an entry in ClinVar:

ClinVar aggregate classification (germline): Uncertain significance. Review status: criteria provided, multiple submitters, no conflicts (2 of 4 stars). 4 submissions from 4 submitters: Uncertain significance (4). Last evaluated 2026-02-01.

Conditions:
Aicardi-Goutieres syndrome 7 (AGS7). Identifiers: Orphanet 51, MedGen C3888244, MONDO:0014367, OMIM 615846.
Singleton-Merten syndrome 1 (SGMRT1). Also called: Widened medullary cavities of bone, aortic calcification, abnormal dentition, and muscular weakness; Syndrome of widened medullary cavities of the metacarpals and phalanges, aortic calcification and abnormal dentition. Identifiers: Orphanet 85191, MedGen C4225427, MONDO:0024535, OMIM 182250.
Inborn genetic diseases. Identifiers: MedGen C0950123, MeSH D030342.

Allele frequency attached by ClinVar (database versions not stated): TOPMed 0.00001; ExAC 0.00003; gnomAD 0.00002; ESP Exome Variant Server 0.00015.
gnomAD v4.1: 24 of 1,611,788 alleles (0.0015%); highest among the groups gnomAD compares: Non-Finnish European, 0.0014%; no homozygotes.

Submissions (4):

Labcorp Genetics (formerly Invitae), Labcorp
Classification: Uncertain significance for Aicardi-Goutieres syndrome 7; Singleton-Merten syndrome 1. Last evaluated: 2026-02-01. Review status: criteria provided, single submitter. Criteria: Invitae Variant Classification Sherloc (09022015). Collection method: clinical testing. Allele origin: germline.
Comment: This sequence change replaces valine, which is neutral and non-polar, with leucine, which is neutral and non-polar, at codon 453 of the IFIH1 protein (p.Val453Leu). This variant is present in population databases (rs367921237, gnomAD 0.02%). This variant has not been reported in the literature in individuals affected with IFIH1-related conditions. ClinVar contains an entry for this variant (Variation ID: 1342374). Invitae Evidence Modeling of protein sequence and biophysical properties (such as structural, functional, and spatial information, amino acid conservation, physicochemical variation, residue mobility, and thermodynamic stability) has been performed for this missense variant. However, the output from this modeling did not meet the statistical confidence thresholds required to predict the impact of this variant on IFIH1 protein function. In summary, the available evidence is currently insufficient to determine the role of this variant in disease. Therefore, it has been classified as a Variant of Uncertain Significance.

Ambry Genetics
Classification: Uncertain significance for Inborn genetic diseases. Last evaluated: 2025-08-14. Review status: criteria provided, single submitter. Criteria: Ambry Variant Classification Scheme 2023. Collection method: clinical testing. Allele origin: germline.

New York Genome Center
Classification: Uncertain significance for Aicardi-Goutieres syndrome 7. Last evaluated: 2021-02-19. Review status: criteria provided, single submitter. Criteria: NYGC Assertion Criteria 2020. Collection method: clinical testing. Allele origin: inherited. Observed: 1 heterozygote. Study: CSER-NYCKidSeq.
Comment: The inherited heterozygous c.1357G>C (p.Val453Leu) missense variant identified in the IFIH1 gene has not been reported in affected individual in the literature. The variant has 0.00001974 allele frequency in the gnomAD database (3 out of 151,962 heterozygous alleles, no homozygotes)suggesting it is not a common benign variant in populations represented in that database. The variant affects a conserved residue and is predicted deleterious by multiple in silico tools. Functional studies to evaluate the potential consequences of this variant have not been reported. Based on the available evidence, the inherited c.1357G>C (p.Val453Leu) variant identified in the IFIH1 gene is reported as a variant of uncertain significance.

Revvity Omics, Revvity
Classification: Uncertain significance. Last evaluated: 2019-12-03. Review status: criteria provided, single submitter. Criteria: ACMG Guidelines, 2015. Collection method: clinical testing. Allele origin: germline.

NM_022168.4(IFIH1):c.1357G>C (p.Val453Leu)

Gene: IFIH1 (interferon induced with helicase C domain 1; minus strand). Cytogenetic location: 2q24.2.
Variant type: single nucleotide variant.
Coding change: c.1357G>C on transcript NM_022168.4 (MANE Select); coding-DNA position 1357, G replaced by C.
Protein change: p.Val453Leu; replaces valine 453 with leucine.
Molecular consequence: missense variant.
Genome position (GRCh38, 1-based): chr2:162,281,495, C>G on the plus strand (G>C on the coding strand, the complement: IFIH1 is on the minus strand). VCF-style: chr2-162281495-C-G. GRCh37 (hg19) VCF-style: chr2-163138005-C-G.
Other names: c.1357G>C (NM_022168.2, NM_022168.3); short protein forms V453L.
Identifiers: ClinVar variation 1342374 (VCV001342374.12), dbSNP rs367921237, ClinGen allele CA1934544.
Genomic context (GRCh38, chr2:162,281,495, plus strand): 5'-TCTTGAGTCTATTGTTTTTCAACTTCTGCATCAAATAATGCCTCATGATGTTATTATACA[C>G]TGCTTCTTTGTTGGTGTGATGACATTCATCAATGATAATGAGGGAAAAGTCTTAAAAGAA-3'
Protein context (NP_071451.2, residues 443-463): DECHHTNKEA[Val453Leu]YNNIMRHYLM